The following is an entry in ClinVar:

ClinVar aggregate classification (germline): Uncertain significance. Review status: criteria provided, multiple submitters, no conflicts (2 of 4 stars). 2 submissions from 2 submitters: Uncertain significance (2). Last evaluated 2026-02-05.

Conditions:
Adams-Oliver syndrome 1 (AOS1). Also called: ABSENCE DEFECT OF LIMBS, SCALP, AND SKULL; CONGENITAL SCALP DEFECTS WITH DISTAL LIMB REDUCTION ANOMALIES; APLASIA CUTIS CONGENITA WITH TERMINAL TRANSVERSE LIMB DEFECTS. Identifiers: Orphanet 974, MedGen C4551482, MONDO:0024506, OMIM 100300.
ARHGAP31-related disorder. Also called: ARHGAP31-related condition.

gnomAD v4.1: 62 of 1,614,074 alleles (0.0038%); highest among the groups gnomAD compares: African/African-American, 0.0053%; no homozygotes.

Submissions (2):

PreventionGenetics, part of Exact Sciences
Classification: Uncertain significance for ARHGAP31-related condition. Last evaluated: 2026-02-05. Review status: criteria provided, single submitter. Criteria: ACMG Guidelines, 2015. Collection method: clinical testing. Allele origin: germline.
Comment: The ARHGAP31 c.3223G>A variant is predicted to result in the amino acid substitution p.Val1075Met. To our knowledge, this variant has not been reported in the literature. This variant is reported in 0.0065% of alleles in individuals of African descent in gnomAD. At this time, the clinical significance of this variant is uncertain due to the absence of conclusive functional and genetic evidence.

Revvity Omics, Revvity
Classification: Uncertain significance for Adams-Oliver syndrome 1. Last evaluated: 2020-04-03. Review status: criteria provided, single submitter. Criteria: ACMG Guidelines, 2015. Collection method: clinical testing. Allele origin: germline.

NM_020754.4(ARHGAP31):c.3223G>A (p.Val1075Met)

Gene: ARHGAP31 (Rho GTPase activating protein 31; plus strand). Cytogenetic location: 3q13.33.
Variant type: single nucleotide variant.
Coding change: c.3223G>A on transcript NM_020754.4 (MANE Select); coding-DNA position 3223, G replaced by A.
Protein change: p.Val1075Met; replaces valine 1075 with methionine.
Molecular consequence: missense variant.
Genome position (GRCh38, 1-based): chr3:119,415,152, G>A. VCF-style: chr3-119415152-G-A. GRCh37 (hg19) VCF-style: chr3-119133999-G-A.
Other names: c.3223G>A (NM_020754.3); short protein forms V1075M.
Identifiers: ClinVar variation 2439154 (VCV002439154.4), dbSNP rs777789268, ClinGen allele CA2554166.
Genomic context (GRCh38, chr3:119,415,152, plus strand): 5'-CCACAGATTAGGCAAGGTGGTGTTCCTGGGCCAGAGAGCAGCAAGGAGAGTTCACCCAGC[G>A]TGCAGGACAGCACTTCGCCTGGAGAGCACCCCGCAAAGTTACAGCTAAAGAGCACAGAGT-3'
Protein context (NP_065805.2, residues 1065-1085): PESSKESSPS[Val1075Met]QDSTSPGEHP